The following is an entry in ClinVar:

NM_000052.7(ATP7A):c.1415_1416insATACA (p.Lys473fs)

Gene: ATP7A (ATPase copper transporting alpha; plus strand). Cytogenetic location: Xq21.1.
Variant type: Insertion.
Coding change: c.1415_1416insATACA on transcript NM_000052.7 (MANE Select); coding-DNA positions 1415 to 1416, ATACA inserted.
Protein change: p.Lys473fs; shifts the reading frame from lysine 473.
Molecular consequence: frameshift variant.
Genome position: GRCh38 VCF-style: chrX-77998556-C-CATACA. GRCh37 (hg19) VCF-style: chrX-77254053-C-CATACA.
Other names: c.1415_1416insATACA, p.Lys473fs (NM_001282224.2); short protein forms K473fs.
Identifiers: ClinVar variation 1725358 (VCV001725358.3), dbSNP rs2522314407, ClinGen allele CA2580101483.

ClinVar aggregate classification (germline): Likely pathogenic (1 of 4 stars; one submission).

Conditions:
Menkes kinky-hair syndrome (MNK). Also called: Copper transport disease; Classic Menkes Disease; Menkes Disease. Identifiers: Orphanet 565, MedGen C0022716, MONDO:0010651, OMIM 309400.

Submission:

Myriad Genetics, Inc.
Classification: Likely pathogenic for Menkes kinky-hair syndrome. Last evaluated: 2021-12-02. Review status: criteria provided, single submitter. Criteria: Myriad Autosomal Dominant, Autosomal Recessive and X-Linked Classification Criteria (2023). Collection method: clinical testing. Allele origin: unknown.
Comment: NM_000052.5(ATP7A):c.1415_1416ins5(K473Yfs*5) is expected to be pathogenic in the context of ATP7A-related disorders. This variant is predicted to lead to an abnormal or absent protein product due to the creation of a premature termination codon in ATP7A, a gene where loss-of-function variants are known to be pathogenic. Please note: this variant was assessed in the context of healthy population screening.